The following is an entry in ClinVar:

ClinVar aggregate classification (germline): Uncertain significance (1 of 4 stars; one submission).

Submission:

Labcorp Genetics (formerly Invitae), Labcorp
Classification: Uncertain significance. Last evaluated: 2025-01-23. Review status: criteria provided, single submitter. Criteria: Invitae Variant Classification Sherloc (09022015). Collection method: clinical testing. Allele origin: germline.
Comment: This sequence change creates a premature translational stop signal (p.Arg379*) in the SIAE gene. It is expected to result in an absent or disrupted protein product. However, the current clinical and genetic evidence is not sufficient to establish whether loss-of-function variants in SIAE cause disease. This variant is present in population databases (no rsID available, gnomAD 0.003%). This variant has not been reported in the literature in individuals affected with SIAE-related conditions. ClinVar contains an entry for this variant (Variation ID: 2906065). In summary, the available evidence is currently insufficient to determine the role of this variant in disease. Therefore, it has been classified as a Variant of Uncertain Significance.

NM_170601.5(SIAE):c.1135C>T (p.Arg379Ter)

Gene: SIAE (sialic acid acetylesterase; minus strand). Cytogenetic location: 11q24.2.
Variant type: single nucleotide variant.
Coding change: c.1135C>T on transcript NM_170601.5 (MANE Select); coding-DNA position 1135, C replaced by T.
Protein change: p.Arg379Ter; replaces arginine 379 with a stop codon.
Molecular consequence: nonsense.
Genome position (GRCh38, 1-based): chr11:124,638,727, G>A on the plus strand (C>T on the coding strand, the complement: SIAE is on the minus strand). VCF-style: chr11-124638727-G-A. GRCh37 (hg19) VCF-style: chr11-124508623-G-A.
Other names: c.1030C>T, p.Arg344Ter (NM_001199922.2); short protein forms R344*, R379*.
Identifiers: ClinVar variation 2906065 (VCV002906065.3), dbSNP rs200445560, ClinGen allele CA383144947.